The following is an entry in ClinVar:

NM_002439.5(MSH3):c.2275T>A (p.Ser759Thr)

Gene: MSH3 (mutS homolog 3; plus strand). Cytogenetic location: 5q14.1.
Variant type: single nucleotide variant.
Coding change: c.2275T>A on transcript NM_002439.5 (MANE Select); coding-DNA position 2275, T replaced by A.
Protein change: p.Ser759Thr; replaces serine 759 with threonine.
Molecular consequence: missense variant.
Genome position (GRCh38, 1-based): chr5:80,775,715, T>A. VCF-style: chr5-80775715-T-A. GRCh37 (hg19) VCF-style: chr5-80071534-T-A.
Other names: short protein forms S759T.
Identifiers: ClinVar variation 1379824 (VCV001379824.6), dbSNP rs1744285928, ClinGen allele CA360280765.
Genomic context (GRCh38, chr5:80,775,715, plus strand): 5'-TTACTTATCTAAATCTCTGTTTATTTGTATTTGTTTTAGTTTATGATAGAAATAAAGAAC[T>A]CTGCTGTATCTTGTATACCAACTGATTGGGTAAAGGTTGGAAGGTAGGTTTAAAATAAAT-3'
Protein context (NP_002430.3, residues 749-769): GQEFMIEIKN[Ser759Thr]AVSCIPTDWV

ClinVar aggregate classification (germline): Uncertain significance (1 of 4 stars; one submission).

Submission:

Labcorp Genetics (formerly Invitae), Labcorp
Classification: Uncertain significance. Last evaluated: 2021-09-27. Review status: criteria provided, single submitter. Criteria: Invitae Variant Classification Sherloc (09022015). Collection method: clinical testing. Allele origin: germline.
Comment: Algorithms developed to predict the effect of missense changes on protein structure and function are either unavailable or do not agree on the potential impact of this missense change (SIFT: "Deleterious"; PolyPhen-2: "Benign"; Align-GVGD: "Class C0"). In summary, the available evidence is currently insufficient to determine the role of this variant in disease. Therefore, it has been classified as a Variant of Uncertain Significance. This variant has not been reported in the literature in individuals affected with MSH3-related conditions. This variant is not present in population databases (ExAC no frequency). This sequence change replaces serine with threonine at codon 759 of the MSH3 protein (p.Ser759Thr). The serine residue is highly conserved and there is a small physicochemical difference between serine and threonine.